The following is an entry in ClinVar:

NM_001378120.1(MBD5):c.1135A>G (p.Thr379Ala)

Gene: MBD5 (methyl-CpG binding domain protein 5; plus strand). Cytogenetic location: 2q23.1.
Variant type: single nucleotide variant.
Coding change: c.1135A>G on transcript NM_001378120.1 (MANE Select); coding-DNA position 1135, A replaced by G.
Protein change: p.Thr379Ala; replaces threonine 379 with alanine.
Molecular consequence: missense variant.
Genome position (GRCh38, 1-based): chr2:148,469,078, A>G. VCF-style: chr2-148469078-A-G. GRCh37 (hg19) VCF-style: chr2-149226647-A-G.
Other names: c.1135A>G, p.Thr379Ala (NM_018328.5); short protein forms T379A.
Identifiers: ClinVar variation 847920 (VCV000847920.11), dbSNP rs959566693, ClinGen allele CA57577937.

ClinVar aggregate classification (germline): Uncertain significance. Review status: criteria provided, multiple submitters, no conflicts (2 of 4 stars). 2 submissions from 2 submitters: Uncertain significance (2). Last evaluated 2025-07-24.

Conditions:
Intellectual developmental disorder, autosomal dominant 1. Also called: Intellectual disability, autosomal dominant 1; MBD5 Haploinsufficiency. Identifiers: Orphanet 228402, MedGen C1969562, MONDO:0007974, OMIM 156200.

Allele frequency attached by ClinVar (database versions not stated): TOPMed 0.00003; gnomAD exomes below 0.00001; gnomAD 0.00003.
gnomAD v4.1: 9 of 1,613,868 alleles (0.00056%); highest among the groups gnomAD compares: African/African-American, 0.0067%; no homozygotes.

Submissions (2):

Labcorp Genetics (formerly Invitae), Labcorp
Classification: Uncertain significance for Intellectual developmental disorder, autosomal dominant 1. Last evaluated: 2025-07-24. Review status: criteria provided, single submitter. Criteria: Invitae Variant Classification Sherloc (09022015). Collection method: clinical testing. Allele origin: germline.
Comment: This sequence change replaces threonine, which is neutral and polar, with alanine, which is neutral and non-polar, at codon 379 of the MBD5 protein (p.Thr379Ala). This variant is not present in population databases (gnomAD no frequency). This variant has not been reported in the literature in individuals affected with MBD5-related conditions. ClinVar contains an entry for this variant (Variation ID: 847920). Invitae Evidence Modeling of protein sequence and biophysical properties (such as structural, functional, and spatial information, amino acid conservation, physicochemical variation, residue mobility, and thermodynamic stability) indicates that this missense variant is not expected to disrupt MBD5 protein function with a negative predictive value of 80%. In summary, the available evidence is currently insufficient to determine the role of this variant in disease. Therefore, it has been classified as a Variant of Uncertain Significance.

Women's Health and Genetics/Laboratory Corporation of America, LabCorp
Classification: Uncertain significance. Last evaluated: 2023-10-12. Review status: criteria provided, single submitter. Criteria: LabCorp Variant Classification Summary - May 2015. Collection method: clinical testing. Allele origin: germline.
Comment: Variant summary: MBD5 c.1135A>G (p.Thr379Ala) results in a non-conservative amino acid change in the encoded protein sequence. Three of five in-silico tools predict a benign effect of the variant on protein function. The variant was absent in 251164 control chromosomes. The available data on variant occurrences in the general population are insufficient to allow any conclusion about variant significance. To our knowledge, no occurrence of c.1135A>G in individuals affected with MBD5 Associated Neurodevelopmental Disorder and no experimental evidence demonstrating its impact on protein function have been reported. One submitter has cited clinical-significance assessments for this variant to ClinVar after 2014 and has classified the variant as uncertain significance. Based on the evidence outlined above, the variant was classified as uncertain significance.